The following is an entry in ClinVar:

ClinVar aggregate classification (germline): Likely benign (1 of 4 stars; one submission).

gnomAD v4.1: 4 of 1,611,380 alleles (0.00025%); highest among the groups gnomAD compares: African/African-American, 0.0053%; no homozygotes.

Submission:

Women's Health and Genetics/Laboratory Corporation of America, LabCorp
Classification: Likely benign. Last evaluated: 2026-04-08. Review status: criteria provided, single submitter. Criteria: LabCorp Variant Classification Summary - May 2015. Collection method: clinical testing. Allele origin: germline.
Comment: Variant summary: COL3A1 c.2229+9T>A alters a nucleotide located at a position not widely known to affect splicing. Consensus agreement among computation tools predict no significant impact on normal splicing. However, these predictions have yet to be confirmed by functional studies. The variant was absent in 248272 control chromosomes. The available data on variant occurrences in the general population are insufficient to allow any conclusion about variant significance. To our knowledge, no occurrence of c.2229+9T>A in individuals affected with COL3A1-related conditions and no experimental evidence demonstrating its impact on protein function have been reported. No submitters have cited clinical-significance assessments for this variant to ClinVar. Based on the evidence outlined above, the variant was classified as likely benign.

NM_000090.4(COL3A1):c.2229+9T>A

Gene: COL3A1 (collagen type III alpha 1 chain; plus strand). Cytogenetic location: 2q32.2.
Variant type: single nucleotide variant.
Coding change: c.2229+9T>A on transcript NM_000090.4 (MANE Select); 9 bases into the intron after coding-DNA position 2229, T replaced by A.
Molecular consequence: intron variant.
Genome position (GRCh38, 1-based): chr2:188,999,586, T>A. VCF-style: chr2-188999586-T-A. GRCh37 (hg19) VCF-style: chr2-189864312-T-A.
Identifiers: ClinVar variation 4848738 (VCV004848738.1).